The following is an entry in ClinVar:

NM_013319.3(UBIAD1):c.362T>G (p.Leu121Arg)

Gene: UBIAD1 (UbiA prenyltransferase domain containing 1; plus strand). Cytogenetic location: 1p36.22.
Variant type: single nucleotide variant.
Coding change: c.362T>G on transcript NM_013319.3 (MANE Select); coding-DNA position 362, T replaced by G.
Protein change: p.Leu121Arg; replaces leucine 121 with arginine.
Molecular consequence: missense variant.
Genome position (GRCh38, 1-based): chr1:11,273,893, T>G. VCF-style: chr1-11273893-T-G. GRCh37 (hg19) VCF-style: chr1-11333950-T-G.
Other names: c.362T>G, p.Leu121Arg (NM_001330349.2, NM_001330350.2); short protein forms L121R.
Identifiers: ClinVar variation 3376980 (VCV003376980.1).

ClinVar aggregate classification (germline): Likely pathogenic (1 of 4 stars; one submission).

Conditions:
Schnyder crystalline corneal dystrophy (SCCD). Also called: Schnyder corneal dystrophy; Crystalline corneal dystrophy. Identifiers: Orphanet 98967, MedGen C0271287, MONDO:0007374, OMIM 121800.

Submission:

Victorian Clinical Genetics Services, Murdoch Childrens Research Institute
Classification: Likely pathogenic for Schnyder crystalline corneal dystrophy. Last evaluated: 2024-10-10. Review status: criteria provided, single submitter. Criteria: ACMG Guidelines, 2015. Collection method: clinical testing. Allele origin: germline. Inheritance: Autosomal dominant inheritance. Affected: yes.
Comment: Based on the classification scheme VCGS_Germline_v1.3.5, this variant is classified as Likely pathogenic. Following criteria are met: 0101 - Gain of function is a known mechanism of disease in this gene and is associated with corneal dystrophy, Schnyder type (MIM#121800, PMID: 31323021). (I) 0107 - This gene is associated with autosomal dominant disease. (I) 0200 - Variant is predicted to result in a missense amino acid change from leucine to arginine. (I) 0251 - This variant is heterozygous. (I) 0301 - Variant is absent from gnomAD (v2, v3 and v4). (SP) 0501 - Missense variant consistently predicted to be damaging by multiple in silico tools or highly conserved with a major amino acid change. (SP) 0600 - Variant is located in the annotated UbiA prenyltransferase domain (DECIPHER). (I) 0702 - Other missense variants comparable to the one identified in this case have strong previous evidence for pathogenicity. p.(Leu121Val) and p.(Leu121Phe) have been reported in multiple unrelated families with Schnyder type corneal dystrophy (PMIDs: 26748743, 17960116, 30223810, 21572737,18176953). (SP) 0807 - This variant has no previous evidence of pathogenicity. (I) 1007 - No published functional evidence has been identified for this variant. (I) Legend: (SP) - Supporting pathogenic, (I) - Information, (SB) - Supporting benign

Literature cited by the submitters: PubMed 17960116; PubMed 18176953; PubMed 21572737; PubMed 26748743; PubMed 30223810; PubMed 31323021.